The following is an entry in ClinVar:

NM_032590.5(KDM2B):c.2365G>A (p.Gly789Ser)

Gene: KDM2B (lysine demethylase 2B; minus strand). Cytogenetic location: 12q24.31.
Variant type: single nucleotide variant.
Coding change: c.2365G>A on transcript NM_032590.5 (MANE Select); coding-DNA position 2365, G replaced by A.
Protein change: p.Gly789Ser; replaces glycine 789 with serine.
Molecular consequence: missense variant.
Genome position (GRCh38, 1-based): chr12:121,444,098, C>T on the plus strand (G>A on the coding strand, the complement: KDM2B is on the minus strand). VCF-style: chr12-121444098-C-T. GRCh37 (hg19) VCF-style: chr12-121881901-C-T.
Other names: c.2272G>A, p.Gly758Ser (NM_001005366.2); short protein forms G758S, G789S.
Identifiers: ClinVar variation 2634725 (VCV002634725.2), dbSNP rs782514406, ClinGen allele CA6836579.

ClinVar aggregate classification (germline): Uncertain significance (1 of 4 stars; one submission).

Conditions:
KDM2B-related disorder. Also called: KDM2B-related condition.

Allele frequency attached by ClinVar (database versions not stated): ExAC 0.00002; gnomAD exomes 0.00003; TOPMed 0.00003; gnomAD 0.00006.
gnomAD v4.1: 47 of 1,613,690 alleles (0.0029%); highest among the groups gnomAD compares: African/African-American, 0.016%; no homozygotes.

Submission:

PreventionGenetics, part of Exact Sciences
Classification: Uncertain significance for KDM2B-related condition. Last evaluated: 2025-03-25. Review status: criteria provided, single submitter. Criteria: ACMG Guidelines, 2015. Collection method: clinical testing. Allele origin: germline.
Comment: The KDM2B c.2365G>A variant is predicted to result in the amino acid substitution p.Gly789Ser. This variant was reported as de novo in an individual with autism (Sample SP0029586 in Supplementary Table 20, Fu et al. 2022. PubMed ID: 35982160; Supplementary Table 1, Zhou et al. 2022. PubMed ID: 35982159). This variant is reported in 0.017% of alleles in individuals of African descent in gnomAD. At this time, the clinical significance of this variant is uncertain due to the absence of conclusive functional and genetic evidence.